The following is an entry in ClinVar:

ClinVar aggregate classification (germline): Benign (0 of 4 stars; one submission).

Conditions:
HIP1-related disorder. Also called: HIP1-related condition.

Allele frequency attached by ClinVar (database versions not stated): ESP Exome Variant Server 0.00015; gnomAD 0.00051; ExAC 0.00057; TOPMed 0.00068.
gnomAD v4.1: 547 of 1,608,718 alleles (0.034%); highest among the groups gnomAD compares: Admixed American, 0.096%; 3 homozygotes.

Submission:

PreventionGenetics, part of Exact Sciences
Classification: Benign for HIP1-related condition. Last evaluated: 2019-05-22. Review status: no assertion criteria provided. Collection method: clinical testing. Allele origin: germline.
Comment: This variant is classified as benign based on ACMG/AMP sequence variant interpretation guidelines (Richards et al. 2015 PMID: 25741868, with internal and published modifications).

NM_005338.7(HIP1):c.185C>T (p.Thr62Met)

Gene: HIP1 (huntingtin interacting protein 1; minus strand). Cytogenetic location: 7q11.23.
Variant type: single nucleotide variant.
Coding change: c.185C>T on transcript NM_005338.7 (MANE Select); coding-DNA position 185, C replaced by T.
Protein change: p.Thr62Met; replaces threonine 62 with methionine.
Molecular consequence: missense variant.
Genome position (GRCh38, 1-based): chr7:75,592,514, G>A on the plus strand (C>T on the coding strand, the complement: HIP1 is on the minus strand). VCF-style: chr7-75592514-G-A. GRCh37 (hg19) VCF-style: chr7-75221832-G-A.
Other names: c.185C>T, p.Thr62Met (NM_001243198.3); c.83C>T, p.Thr28Met (NM_001382444.1); c.98C>T, p.Thr33Met (NM_001382445.1); short protein forms T28M, T33M, T62M.
Identifiers: ClinVar variation 3038523 (VCV003038523.2), dbSNP rs202080673, ClinGen allele CA4302690.
Genomic context (GRCh38, chr7:75,592,514, plus strand): 5'-CGGTTGACAACAGACCAGAAGGTCTGTGCCCCTTTCTCATGGTGGGTGCCCAGTATGCAC[G>A]GTGAGGGGGGGTTATGGAAAACAACGGATGGGCTCTGCCAGTCACTGCAGGGGACTGAGC-3'
Protein context (NP_005329.3, residues 52-72): EVAVKEKHAR[Thr62Met]CILGTHHEKG